The following is an entry in ClinVar:

ClinVar aggregate classification (germline): Conflicting classifications of pathogenicity. Review status: criteria provided, conflicting classifications (1 of 4 stars). 3 submissions from 3 submitters: Uncertain significance (1); Likely benign (1). 1 of the submissions does not count toward it. Last evaluated 2025-12-17.

Conditions:
DDOST-related disorder. Also called: DDOST-related condition.
Congenital disorder of glycosylation type Ir (CDG1R). Also called: DDOST-congenital disorder of glycosylation. Identifiers: Orphanet 300536, MedGen C3281084, MONDO:0013789, OMIM 614507.

Allele frequency attached by ClinVar (database versions not stated): gnomAD exomes 0.00235 and 0.00118; TOPMed 0.00164; 1000 Genomes Project 30x 0.00016; ExAC 0.00106; 1000 Genomes Project 0.00020; gnomAD 0.00153 and 0.00165; ESP Exome Variant Server 0.00223.
gnomAD v4.1: 3,648 of 1,614,224 alleles (0.23%); highest among the groups gnomAD compares: Non-Finnish European, 0.28%; 8 homozygotes.

Submissions (3):

Labcorp Genetics (formerly Invitae), Labcorp
Classification: Likely benign for Congenital disorder of glycosylation type Ir. Last evaluated: 2025-12-17. Review status: criteria provided, single submitter. Criteria: Invitae Variant Classification Sherloc (09022015). Collection method: clinical testing. Allele origin: germline.

Eurofins Ntd Llc (ga)
Classification: Uncertain significance. Last evaluated: 2014-05-06. Review status: criteria provided, single submitter. Criteria: EGL Classification Definitions 2015. Collection method: clinical testing. Allele origin: germline. Observed: 1 variant allele, 1 heterozygote.

PreventionGenetics, part of Exact Sciences
Classification: Likely benign for DDOST-related condition. Last evaluated: 2022-03-28. Review status: no assertion criteria provided. Collection method: clinical testing. Allele origin: germline. Not counted in ClinVar's aggregate classification.
Comment: This variant is classified as likely benign based on ACMG/AMP sequence variant interpretation guidelines (Richards et al. 2015 PMID: 25741868, with internal and published modifications).

NM_005216.5(DDOST):c.1148C>T (p.Thr383Ile)

Gene: DDOST (dolichyl-diphosphooligosaccharide--protein glycosyltransferase non-catalytic subunit; minus strand). Cytogenetic location: 1p36.12.
Variant type: single nucleotide variant.
Coding change: c.1148C>T on transcript NM_005216.5 (MANE Select); coding-DNA position 1148, C replaced by T.
Protein change: p.Thr383Ile; replaces threonine 383 with isoleucine.
Molecular consequence: missense variant.
Genome position (GRCh38, 1-based): chr1:20,652,643, G>A on the plus strand (C>T on the coding strand, the complement: DDOST is on the minus strand). VCF-style: chr1-20652643-G-A. GRCh37 (hg19) VCF-style: chr1-20979136-G-A.
Other names: short protein forms T400I, T383I.
Identifiers: ClinVar variation 166992 (VCV000166992.54), dbSNP rs145940009, ClinGen allele CA233896.
Genomic context (GRCh38, chr1:20,652,643, plus strand): 5'-CATGCTAGCTGAAAACAGAAGCTGTCACCTGTGCTTACCTGAGTGGAAGAGTACAGGTGT[G>A]TGTAGCCTAGCCGGTTGTAATCCACTTTAAACTGGAATACACCATACACGTCGGGCAACT-3'
Protein context (NP_005207.3, residues 373-393): FKVDYNRLGY[Thr383Ile]HLYSSTQVSV